The following is an entry in ClinVar:

NM_000147.5(FUCA1):c.943G>A (p.Val315Ile)

Gene: FUCA1 (alpha-L-fucosidase 1; minus strand). Cytogenetic location: 1p36.11.
Variant type: single nucleotide variant.
Coding change: c.943G>A on transcript NM_000147.5 (MANE Select); coding-DNA position 943, G replaced by A.
Protein change: p.Val315Ile; replaces valine 315 with isoleucine.
Molecular consequence: missense variant.
Genome position (GRCh38, 1-based): chr1:23,854,386, C>T on the plus strand (G>A on the coding strand, the complement: FUCA1 is on the minus strand). VCF-style: chr1-23854386-C-T. GRCh37 (hg19) VCF-style: chr1-24180876-C-T.
Other names: short protein forms V315I.
Identifiers: ClinVar variation 573270 (VCV000573270.6), dbSNP rs746590345, ClinGen allele CA686423.

ClinVar aggregate classification (germline): Uncertain significance (1 of 4 stars; one submission).

Conditions:
Fucosidosis. Also called: ALPHA-L-FUCOSIDASE DEFICIENCY. Identifiers: Orphanet 349, MedGen C0016788, MONDO:0009254, OMIM 230000.

Allele frequency attached by ClinVar (database versions not stated): gnomAD exomes below 0.00001 and 0.00001; ExAC 0.00001.
gnomAD v4.1: 7 of 1,613,720 alleles (0.00043%); highest among the groups gnomAD compares: East Asian, 0.016%; no homozygotes.

Submission:

Labcorp Genetics (formerly Invitae), Labcorp
Classification: Uncertain significance for Fucosidosis. Last evaluated: 2021-08-31. Review status: criteria provided, single submitter. Criteria: Invitae Variant Classification Sherloc (09022015). Collection method: clinical testing. Allele origin: germline.
Comment: This sequence change replaces valine with isoleucine at codon 315 of the FUCA1 protein (p.Val315Ile). The valine residue is weakly conserved and there is a small physicochemical difference between valine and isoleucine. This variant is present in population databases (rs746590345, ExAC 0.002%). This variant has not been reported in the literature in individuals affected with FUCA1-related conditions. Algorithms developed to predict the effect of missense changes on protein structure and function output the following: SIFT: "Tolerated"; PolyPhen-2: "Benign"; Align-GVGD: "Class C0". The isoleucine amino acid residue is found in multiple mammalian species, which suggests that this missense change does not adversely affect protein function. In summary, the available evidence is currently insufficient to determine the role of this variant in disease. Therefore, it has been classified as a Variant of Uncertain Significance.